The following is an entry in ClinVar:

ClinVar aggregate classification (germline): Uncertain significance (1 of 4 stars; one submission).

Conditions:
Amyotrophic lateral sclerosis (ALS). Also called: Lou Gehrig disease; Charcot disease. Identifiers: Orphanet 803, MedGen C0002736, MONDO:0004976, HP:0007354.

gnomAD v4.1: 13 of 1,613,124 alleles (0.00081%); highest among the groups gnomAD compares: East Asian, 0.029%; no homozygotes.

Submission:

Department of Neurology, Brain Research Institute, Niigata University
Classification: Uncertain significance for Amyotrophic lateral sclerosis. Last evaluated: 2026-04-10. Review status: criteria provided, single submitter. Criteria: ACMG Guidelines, 2015. Collection method: research. Allele origin: unknown. Affected: yes.
Comment: In vitro functional analysis of the product of this gene variant suggests strong aggregation propensity (PMID: 34099057, PS3_Supporting). Furthermore, pathological analysis of ALS cases harboring this variant has demonstrated the presence of abnormal ANXA11 protein aggregates within neurons (PMID: 34099057). The ALS case harboring this variant is sporadic, and a de novo origin has not been confirmed (PMID:34099057).

NM_145868.2(ANXA11):c.1086+1G>A

Gene: ANXA11 (annexin A11; minus strand). Cytogenetic location: 10q22.3.
Variant type: single nucleotide variant.
Coding change: c.1086+1G>A on transcript NM_145868.2 (MANE Select); the canonical splice donor site of the intron after coding-DNA position 1086, G replaced by A.
Molecular consequence: splice donor variant.
Genome position (GRCh38, 1-based): chr10:80,163,348, C>T on the plus strand (G>A on the coding strand, the complement: ANXA11 is on the minus strand). VCF-style: chr10-80163348-C-T. GRCh37 (hg19) VCF-style: chr10-81923104-C-T.
Other names: c.1086+1G>A (NM_001278407.2, NM_001157.3, NM_145869.2 and 1 more transcripts); c.987+1G>A (NM_001278409.2).
Identifiers: ClinVar variation 4293445 (VCV004293445.3).